The following is an entry in ClinVar:

NM_001080453.3(INTS1):c.2646+10G>A

Gene: INTS1 (integrator complex subunit 1; minus strand). Cytogenetic location: 7p22.3.
Variant type: single nucleotide variant.
Coding change: c.2646+10G>A on transcript NM_001080453.3 (MANE Select); 10 bases into the intron after coding-DNA position 2646, G replaced by A.
Molecular consequence: intron variant.
Genome position (GRCh38, 1-based): chr7:1,487,310, C>T on the plus strand (G>A on the coding strand, the complement: INTS1 is on the minus strand). VCF-style: chr7-1487310-C-T. GRCh37 (hg19) VCF-style: chr7-1526946-C-T.
Identifiers: ClinVar variation 3050268 (VCV003050268.2), dbSNP rs182760354, ClinGen allele CA4119715.

ClinVar aggregate classification (germline): Likely benign (0 of 4 stars; one submission).

Conditions:
INTS1-related disorder. Also called: INTS1-related condition.

Allele frequency attached by ClinVar (database versions not stated): ExAC 0.00166; ESP Exome Variant Server 0.00188; gnomAD 0.00258; 1000 Genomes Project 0.00260; 1000 Genomes Project 30x 0.00265; TOPMed 0.00270.
gnomAD v4.1: 693 of 1,582,596 alleles (0.044%); highest among the groups gnomAD compares: African/African-American, 0.84%; 1 homozygote.

Submission:

PreventionGenetics, part of Exact Sciences
Classification: Likely benign for INTS1-related condition. Last evaluated: 2019-04-25. Review status: no assertion criteria provided. Collection method: clinical testing. Allele origin: germline.
Comment: This variant is classified as likely benign based on ACMG/AMP sequence variant interpretation guidelines (Richards et al. 2015 PMID: 25741868, with internal and published modifications).